The following is an entry in ClinVar:

ClinVar aggregate classification (germline): Uncertain significance (1 of 4 stars; one submission).

Allele frequency attached by ClinVar (database versions not stated): gnomAD 0.00001.
gnomAD v4.1: 1 of 1,613,984 alleles (0.000062%); no homozygotes.

Submission:

Labcorp Genetics (formerly Invitae), Labcorp
Classification: Uncertain significance. Last evaluated: 2022-07-19. Review status: criteria provided, single submitter. Criteria: Invitae Variant Classification Sherloc (09022015). Collection method: clinical testing. Allele origin: germline.
Comment: In summary, the available evidence is currently insufficient to determine the role of this variant in disease. Therefore, it has been classified as a Variant of Uncertain Significance. Variants that disrupt the consensus splice site are a relatively common cause of aberrant splicing (PMID: 17576681, 9536098). Algorithms developed to predict the effect of sequence changes on RNA splicing suggest that this variant is not likely to affect RNA splicing. This variant has not been reported in the literature in individuals affected with TK2-related conditions. This variant is not present in population databases (gnomAD no frequency). This sequence change falls in intron 4 of the TK2 gene. It does not directly change the encoded amino acid sequence of the TK2 protein. It affects a nucleotide within the consensus splice site.

Literature cited by the submitters: PubMed 17576681; PubMed 9536098.

NM_004614.5(TK2):c.286-3C>T

Gene: TK2 (thymidine kinase 2; minus strand). Cytogenetic location: 16q21.
Variant type: single nucleotide variant.
Coding change: c.286-3C>T on transcript NM_004614.5 (MANE Select); 3 bases into the intron before coding-DNA position 286, C replaced by T.
Molecular consequence: intron variant.
Genome position (GRCh38, 1-based): chr16:66,531,472, G>A on the plus strand (C>T on the coding strand, the complement: TK2 is on the minus strand). VCF-style: chr16-66531472-G-A. GRCh37 (hg19) VCF-style: chr16-66565375-G-A.
Other names: c.193-3C>T (NM_001271935.1, NM_001172643.1); c.211-3C>T (NM_001172644.2); c.232-3C>T (NM_001172645.2); c.139-3C>T (NM_001271934.2); c.-6-3C>T (NM_001272050.2).
Identifiers: ClinVar variation 2051969 (VCV002051969.4), dbSNP rs1965111918, ClinGen allele CA978354279.